The following is an entry in ClinVar:

ClinVar aggregate classification (germline): Likely benign. Review status: criteria provided, multiple submitters, no conflicts (2 of 4 stars). 4 submissions from 3 submitters: Likely benign (4). Last evaluated 2024-12-23.

Conditions:
Retinitis pigmentosa (RP). Identifiers: Orphanet 791, MedGen C0035334, MeSH D012174, MONDO:0019200, OMIM 268000. Inheritance: Autosomal dominant, autosomal recessive and X linked inheritance.
Congenital stationary night blindness autosomal dominant 1. Also called: NIGHT BLINDNESS, CONGENITAL STATIONARY, RHODOPSIN-RELATED. Identifiers: Orphanet 215, MedGen C1864869, MONDO:0012498, OMIM 610445.

Allele frequency attached by ClinVar (database versions not stated): gnomAD 0.00014 and 0.00015; TOPMed 0.00018; ESP Exome Variant Server 0.00038; 1000 Genomes Project 30x 0.00047; 1000 Genomes Project 0.00060.
gnomAD v4.1: 140 of 1,613,986 alleles (0.0087%); highest among the groups gnomAD compares: African/African-American, 0.069%; 1 homozygote.

Submissions (4):

Labcorp Genetics (formerly Invitae), Labcorp
Classification: Likely benign. Last evaluated: 2024-12-23. Review status: criteria provided, single submitter. Criteria: Invitae Variant Classification Sherloc (09022015). Collection method: clinical testing. Allele origin: germline.

Blueprint Genetics
Classification: Likely benign. Last evaluated: 2024-06-24. Review status: criteria provided, single submitter. Criteria: ACMG Guidelines, 2015. Collection method: clinical testing. Allele origin: germline.

Illumina Laboratory Services, Illumina
Classification: Likely benign for Congenital stationary night blindness autosomal dominant 1. Last evaluated: 2017-04-27. Review status: criteria provided, single submitter. Criteria: ICSL Variant Classification Criteria 13 December 2019. Collection method: clinical testing. Allele origin: germline.
Comment: This variant was observed as part of a predisposition screen in an ostensibly healthy population. A literature search was performed for the gene, cDNA change, and amino acid change (where applicable). No publications were found based on this search. Allele frequency data from public databases allowed determination this variant is unlikely to cause disease. Therefore, this variant is classified as likely benign.

Illumina Laboratory Services, Illumina
Classification: Likely benign for Retinitis pigmentosa. Last evaluated: 2017-04-27. Review status: criteria provided, single submitter. Criteria: ICSL Variant Classification Criteria 13 December 2019. Collection method: clinical testing. Allele origin: germline.
Comment: the same text as in the submission from Illumina Laboratory Services, Illumina above.

NM_000539.3(RHO):c.624C>T (p.Phe208=)

Gene: RHO (rhodopsin; plus strand). Cytogenetic location: 3q22.1.
Variant type: single nucleotide variant.
Coding change: c.624C>T on transcript NM_000539.3 (MANE Select); coding-DNA position 624, C replaced by T.
Protein change: p.Phe208=; no amino-acid change (phenylalanine 208 retained).
Molecular consequence: synonymous variant.
Genome position (GRCh38, 1-based): chr3:129,532,344, C>T. VCF-style: chr3-129532344-C-T. GRCh37 (hg19) VCF-style: chr3-129251187-C-T.
Identifiers: ClinVar variation 343280 (VCV000343280.14), dbSNP rs113751838, ClinGen allele CA2607222.